The following is an entry in ClinVar:

ClinVar aggregate classification (germline): Uncertain significance. Review status: criteria provided, multiple submitters, no conflicts (2 of 4 stars). 2 submissions from 2 submitters: Uncertain significance (2). Last evaluated 2026-09-01.

Conditions:
CD40LG-related disorder. Also called: CD40LG-related condition.
Hyper-IgM syndrome type 1. Also called: Hyper-IgM Immunodeficiency Syndrome, Type 1; CD40 Ligand Deficiency; Immunodeficiency, X-linked, with hyper-IgM; X-linked hyper-IgM syndrome. Identifiers: Orphanet 101088, MedGen C0398689, MONDO:0010626, OMIM 308230.

Allele frequency attached by ClinVar (database versions not stated): TOPMed below 0.00001; gnomAD 0.00001; gnomAD exomes 0.00001.
gnomAD v4.1: 10 of 1,202,489 alleles (0.00083%); highest among the groups gnomAD compares: Non-Finnish European, 0.0011%; no homozygotes.

Submissions (2):

PreventionGenetics, part of Exact Sciences
Classification: Uncertain significance for CD40LG-related condition. Last evaluated: 2026-09-01. Review status: criteria provided, single submitter. Criteria: ACMG Guidelines, 2015. Collection method: clinical testing. Allele origin: germline.
Comment: The CD40LG c.26C>T variant is predicted to result in the amino acid substitution p.Ser9Phe. To our knowledge, this variant has not been reported in the literature. This variant is reported in 0.0012% of alleles in individuals of European (Non-Finnish) descent in gnomAD. Although we suspect that this variant may be benign, at this time, the clinical significance of this variant is uncertain due to the absence of conclusive functional and genetic evidence.

Labcorp Genetics (formerly Invitae), Labcorp
Classification: Uncertain significance for Hyper-IgM syndrome type 1. Last evaluated: 2024-06-22. Review status: criteria provided, single submitter. Criteria: Invitae Variant Classification Sherloc (09022015). Collection method: clinical testing. Allele origin: germline.
Comment: This sequence change replaces serine, which is neutral and polar, with phenylalanine, which is neutral and non-polar, at codon 9 of the CD40LG protein (p.Ser9Phe). This variant is present in population databases (no rsID available, gnomAD 0.001%). This variant has not been reported in the literature in individuals affected with CD40LG-related conditions. ClinVar contains an entry for this variant (Variation ID: 860054). Advanced modeling of protein sequence and biophysical properties (such as structural, functional, and spatial information, amino acid conservation, physicochemical variation, residue mobility, and thermodynamic stability) has been performed at Invitae for this missense variant, however the output from this modeling did not meet the statistical confidence thresholds required to predict the impact of this variant on CD40LG protein function. In summary, the available evidence is currently insufficient to determine the role of this variant in disease. Therefore, it has been classified as a Variant of Uncertain Significance.

NM_000074.3(CD40LG):c.26C>T (p.Ser9Phe)

Gene: CD40LG (CD40 ligand; plus strand). Cytogenetic location: Xq26.3.
Variant type: single nucleotide variant.
Coding change: c.26C>T on transcript NM_000074.3 (MANE Select); coding-DNA position 26, C replaced by T.
Protein change: p.Ser9Phe; replaces serine 9 with phenylalanine.
Molecular consequence: missense variant.
Genome position (GRCh38, 1-based): chrX:136,648,274, C>T. VCF-style: chrX-136648274-C-T. GRCh37 (hg19) VCF-style: chrX-135730433-C-T.
Other names: short protein forms S9F.
Identifiers: ClinVar variation 860054 (VCV000860054.12), dbSNP rs1338696512, ClinGen allele CA414751480.